The following is an entry in ClinVar:

NM_145290.4(ADGRA3):c.1729C>T (p.Arg577Trp)

Gene: ADGRA3 (adhesion G protein-coupled receptor A3; minus strand). Cytogenetic location: 4p15.2.
Variant type: single nucleotide variant.
Coding change: c.1729C>T on transcript NM_145290.4 (MANE Select); coding-DNA position 1729, C replaced by T.
Protein change: p.Arg577Trp; replaces arginine 577 with tryptophan.
Molecular consequence: missense variant.
Genome position (GRCh38, 1-based): chr4:22,420,966, G>A on the plus strand (C>T on the coding strand, the complement: ADGRA3 is on the minus strand). VCF-style: chr4-22420966-G-A. GRCh37 (hg19) VCF-style: chr4-22422589-G-A.
Other names: short protein forms R577W.
Identifiers: ClinVar variation 1007818 (VCV001007818.10), dbSNP rs147833167, ClinGen allele CA2873857.

ClinVar aggregate classification (germline): Uncertain significance (1 of 4 stars; one submission).

Allele frequency attached by ClinVar (database versions not stated): ExAC 0.00002; gnomAD exomes 0.00002; TOPMed 0.00005; gnomAD 0.00006; ESP Exome Variant Server 0.00015.
gnomAD v4.1: 45 of 1,613,834 alleles (0.0028%); highest among the groups gnomAD compares: Middle Eastern, 0.016%; no homozygotes.

Submission:

Labcorp Genetics (formerly Invitae), Labcorp
Classification: Uncertain significance. Last evaluated: 2024-10-22. Review status: criteria provided, single submitter. Criteria: Invitae Variant Classification Sherloc (09022015). Collection method: clinical testing. Allele origin: germline.
Comment: This sequence change replaces arginine, which is basic and polar, with tryptophan, which is neutral and slightly polar, at codon 577 of the ADGRA3 protein (p.Arg577Trp). This variant is present in population databases (rs147833167, gnomAD 0.02%). This variant has not been reported in the literature in individuals affected with ADGRA3-related conditions. ClinVar contains an entry for this variant (Variation ID: 1007818). An algorithm developed to predict the effect of missense changes on protein structure and function (PolyPhen-2) suggests that this variant is likely to be disruptive. In summary, the available evidence is currently insufficient to determine the role of this variant in disease. Therefore, it has been classified as a Variant of Uncertain Significance.